The following is an entry in ClinVar:

ClinVar aggregate classification (germline): Uncertain significance. Review status: criteria provided, multiple submitters, no conflicts (2 of 4 stars). 2 submissions from 2 submitters: Uncertain significance (2). Last evaluated 2026-03-18.

Conditions:
Deafness-lymphedema-leukemia syndrome. Also called: Lymphedema, primary, with myelodysplasia; Emberger syndrome. Identifiers: Orphanet 3226, MedGen C3279664, MONDO:0013540, OMIM 614038.
Monocytopenia with susceptibility to infections. Also called: MONOCYTOPENIA AND MYCOBACTERIAL INFECTION SYNDROME; MONOCYTOPENIA WITH SUSCEPTIBILITY TO MYCOBACTERIAL, FUNGAL, AND PAPILLOMAVIRUS INFECTIONS AND MYELODYSPLASIA; COMBINED IMMUNODEFICIENCY WITH SUSCEPTIBILITY TO MYCOBACTERIAL, VIRAL, AND FUNGAL INFECTIONS; Dendritic cell, monocyte, B lymphocyte, and natural killer lymphocyte deficiency; IMMUNODEFICIENCY 21; GATA2 DEFICIENCY. Identifiers: Orphanet 228423, MedGen C3280030, MONDO:0013607, OMIM 614172.
Inborn genetic diseases. Identifiers: MedGen C0950123, MeSH D030342.

Submissions (2):

Ambry Genetics
Classification: Uncertain significance for Inborn genetic diseases. Last evaluated: 2026-03-18. Review status: criteria provided, single submitter. Criteria: Ambry Variant Classification Scheme 2023. Collection method: clinical testing. Allele origin: germline.
Comment: The p.P368S variant (also known as c.1102C>T), located in coding exon 4 of the GATA2 gene, results from a C to T substitution at nucleotide position 1102. The proline at codon 368 is replaced by serine, an amino acid with similar properties. This amino acid position is conserved. In addition, this alteration is predicted to be deleterious by in silico analysis. Based on the available evidence, the clinical significance of this variant remains unclear.

Labcorp Genetics (formerly Invitae), Labcorp
Classification: Uncertain significance for Monocytopenia with susceptibility to infections; Deafness-lymphedema-leukemia syndrome. Last evaluated: 2025-10-01. Review status: criteria provided, single submitter. Criteria: Invitae Variant Classification Sherloc (09022015). Collection method: clinical testing. Allele origin: germline.
Comment: This sequence change replaces proline, which is neutral and non-polar, with serine, which is neutral and polar, at codon 368 of the GATA2 protein (p.Pro368Ser). This variant is not present in population databases (gnomAD no frequency). This variant has not been reported in the literature in individuals affected with GATA2-related conditions. ClinVar contains an entry for this variant (Variation ID: 1463548). Invitae Evidence Modeling of protein sequence and biophysical properties (such as structural, functional, and spatial information, amino acid conservation, physicochemical variation, residue mobility, and thermodynamic stability) has been performed for this missense variant. However, the output from this modeling did not meet the statistical confidence thresholds required to predict the impact of this variant on GATA2 protein function. In summary, the available evidence is currently insufficient to determine the role of this variant in disease. Therefore, it has been classified as a Variant of Uncertain Significance.

NM_032638.5(GATA2):c.1102C>T (p.Pro368Ser)

Gene: GATA2 (GATA binding protein 2; minus strand). Cytogenetic location: 3q21.3.
Variant type: single nucleotide variant.
Coding change: c.1102C>T on transcript NM_032638.5 (MANE Select); coding-DNA position 1102, C replaced by T.
Protein change: p.Pro368Ser; replaces proline 368 with serine.
Molecular consequence: missense variant.
Genome position (GRCh38, 1-based): chr3:128,481,860, G>A on the plus strand (C>T on the coding strand, the complement: GATA2 is on the minus strand). VCF-style: chr3-128481860-G-A. GRCh37 (hg19) VCF-style: chr3-128200703-G-A.
Other names: c.1102C>T (NM_032638.4); c.1102C>T, p.Pro368Ser (NM_001145661.2); c.1060C>T, p.Pro354Ser (NM_001145662.1); short protein forms P354S, P368S.
Identifiers: ClinVar variation 1463548 (VCV001463548.9), dbSNP rs2068633510, ClinGen allele CA354413536.
Genomic context (GRCh38, chr3:128,481,860, plus strand): 5'-CGGGGCGGGGCGCACTCACATTGTGCAGCTTGTAGTAGAGGCCACAGGCGTTGCAGACAG[G>A]GTCCCCGTTGGCGTTTCGGCGCCATAAGGTGGTGGTTGTCGTCTGACAATTTGCACAACA-3'
Protein context (NP_116027.2, residues 358-378): TLWRRNANGD[Pro368Ser]VCNACGLYYK